The following is an entry in ClinVar:

NM_015015.3(KDM4B):c.3153G>C (p.Ser1051=)

Gene: KDM4B (lysine demethylase 4B; plus strand). Cytogenetic location: 19p13.3.
Variant type: single nucleotide variant.
Coding change: c.3153G>C on transcript NM_015015.3 (MANE Select); coding-DNA position 3153, G replaced by C.
Protein change: p.Ser1051=; no amino-acid change (serine 1051 retained).
Molecular consequence: synonymous variant.
Genome position (GRCh38, 1-based): chr19:5,151,373, G>C. VCF-style: chr19-5151373-G-C. GRCh37 (hg19) VCF-style: chr19-5151384-G-C.
Identifiers: ClinVar variation 3387947 (VCV003387947.15), dbSNP rs201917119.

ClinVar aggregate classification (germline): Likely benign. Review status: criteria provided, multiple submitters, no conflicts (2 of 4 stars). 2 submissions from 2 submitters: Likely benign (2). Last evaluated 2026-06-01.

gnomAD v4.1: 2,243 of 1,587,110 alleles (0.14%); highest among the groups gnomAD compares: Middle Eastern, 0.23%; 2 homozygotes.

Submissions (2):

CeGaT Center for Human Genetics Tuebingen
Classification: Likely benign. Last evaluated: 2026-06-01. Review status: criteria provided, single submitter. Criteria: CeGaT Center For Human Genetics Tuebingen Variant Classification Criteria Version 2. Collection method: clinical testing. Allele origin: germline. Affected: yes. Observed: 4 variant alleles.
Comment: KDM4B: BP4, BP7, BS1

Blueprint Genetics
Classification: Likely benign. Last evaluated: 2024-11-22. Review status: criteria provided, single submitter. Criteria: ACMG Guidelines, 2015. Collection method: clinical testing. Allele origin: germline.